The following is an entry in ClinVar:

NM_005591.4(MRE11):c.587A>G (p.Lys196Arg)

Gene: MRE11 (MRE11 double strand break repair nuclease; minus strand). Cytogenetic location: 11q21.
Variant type: single nucleotide variant.
Coding change: c.587A>G on transcript NM_005591.4 (MANE Select); coding-DNA position 587, A replaced by G.
Protein change: p.Lys196Arg; replaces lysine 196 with arginine.
Molecular consequence: missense variant.
Genome position (GRCh38, 1-based): chr11:94,476,361, T>C on the plus strand (A>G on the coding strand, the complement: MRE11 is on the minus strand). VCF-style: chr11-94476361-T-C. GRCh37 (hg19) VCF-style: chr11-94209527-T-C.
Other names: c.587A>G, p.Lys196Arg (NM_001330347.2, NM_005590.4); short protein forms K196R.
Identifiers: ClinVar variation 483631 (VCV000483631.15), dbSNP rs376895161, ClinGen allele CA6235354.
Genomic context (GRCh38, chr11:94,476,361, plus strand): 5'-ATCACAAATAAGTTAAACCAAGAGTTCTCATCTTCCTTTGGTCTCAACATTGTTACTTTT[T>C]TATTGACAAACATTCGATAGAGCCTTTCATCTGGAATGGATCCTGAAATGGACATTACAT-3'
Protein context (NP_005582.1, residues 186-206): DERLYRMFVN[Lys196Arg]KVTMLRPKED

ClinVar aggregate classification (germline): Uncertain significance. Review status: criteria provided, multiple submitters, no conflicts (2 of 4 stars). 2 submissions from 2 submitters: Uncertain significance (2). Last evaluated 2025-06-05.

Conditions:
Hereditary cancer-predisposing syndrome. Also called: Neoplastic Syndromes, Hereditary; Tumor predisposition; Hereditary Cancer Syndrome; Hereditary neoplastic syndrome. Identifiers: Orphanet 140162, MedGen C0027672, MeSH D009386, MONDO:0015356.
Ataxia-telangiectasia-like disorder (ATLD). Identifiers: MedGen C1858391, MONDO:0011457.

Allele frequency attached by ClinVar (database versions not stated): gnomAD exomes below 0.00001; ExAC 0.00001; gnomAD 0.00001; TOPMed 0.00001; ESP Exome Variant Server 0.00008.
gnomAD v4.1: 1 of 1,613,134 alleles (0.000062%); highest among the groups gnomAD compares: Non-Finnish European, 0.000085%; no homozygotes.

Submissions (2):

Ambry Genetics
Classification: Uncertain significance for Hereditary cancer-predisposing syndrome. Last evaluated: 2025-06-05. Review status: criteria provided, single submitter. Criteria: Ambry Variant Classification Scheme 2023. Collection method: clinical testing. Allele origin: germline.
Comment: The p.K196R variant (also known as c.587A>G), located in coding exon 6 of the MRE11A gene, results from an A to G substitution at nucleotide position 587. The lysine at codon 196 is replaced by arginine, an amino acid with highly similar properties. This variant was previously reported in the SNPDatabase as rs376895161. Based on data from the NHLBI Exome Sequencing Project (ESP), the G allele has an overall frequency of approximately 0.01% (1/12994) total alleles studied and 0.01% (1/8594) European American alleles. To date, this alteration has been detected with an allele frequency of approximately 0.001% (greater than 175000 alleles tested) in our clinical cohort. This amino acid position is well conserved in available vertebrate species. In addition, this alteration is predicted to be tolerated by in silico analysis. Since supporting evidence is limited at this time, the clinical significance of this alteration remains unclear.

Labcorp Genetics (formerly Invitae), Labcorp
Classification: Uncertain significance for Ataxia-telangiectasia-like disorder. Last evaluated: 2023-05-08. Review status: criteria provided, single submitter. Criteria: Invitae Variant Classification Sherloc (09022015). Collection method: clinical testing. Allele origin: germline.
Comment: In summary, the available evidence is currently insufficient to determine the role of this variant in disease. Therefore, it has been classified as a Variant of Uncertain Significance. An algorithm developed to predict the effect of missense changes on protein structure and function (PolyPhen-2) suggests that this variant is likely to be tolerated. ClinVar contains an entry for this variant (Variation ID: 483631). This variant has not been reported in the literature in individuals affected with MRE11-related conditions. This variant is present in population databases (rs376895161, gnomAD 0.0009%). This sequence change replaces lysine, which is basic and polar, with arginine, which is basic and polar, at codon 196 of the MRE11 protein (p.Lys196Arg).